The following is an entry in ClinVar:

NM_024675.4(PALB2):c.1819del (p.Leu607fs)

Gene: PALB2 (partner and localizer of BRCA2; minus strand). Cytogenetic location: 16p12.2.
Variant type: Deletion.
Coding change: c.1819del on transcript NM_024675.4 (MANE Select); coding-DNA position 1819, one base deleted (C; older notation c.1819delC).
Protein change: p.Leu607fs; shifts the reading frame from leucine 607.
Molecular consequence: frameshift variant. On other transcripts: intron variant (1).
Genome position (GRCh38, 1-based): chr16:23,630,335, G deleted on the plus strand (C on the coding strand, the reverse complement: PALB2 is on the minus strand). VCF-style (leftmost placement, unchanged base first): chr16-23630334-AG-A. GRCh37 (hg19) VCF-style: chr16-23641655-AG-A.
Other names: c.1759del, p.Leu587fs (NM_001407296.1); c.1819del, p.Leu607fs (NM_001407297.1, NM_001407298.1, NM_001407299.1 and 3 more transcripts); c.934del, p.Leu312fs (NM_001407304.1, NM_001407305.1, NM_001407306.1 and 5 more transcripts); c.31del, p.Leu11fs (NM_001407312.1, NM_001407313.1); c.49-1060del (NM_001407314.1); short protein forms L11fs, L312fs, L587fs, L607fs.
Identifiers: ClinVar variation 2674057 (VCV002674057.1), dbSNP rs2506435297, ClinGen allele CA2695197524.

ClinVar aggregate classification (germline): Pathogenic (1 of 4 stars; one submission).

Conditions:
Familial cancer of breast. Also called: Hereditary breast cancer; BREAST CANCER, FAMILIAL; hereditary breast carcinoma. Identifiers: Orphanet 227535, MedGen C0346153, MONDO:0016419, OMIM 114480. Disease mechanism: loss of function.

Submission:

Myriad Genetics, Inc.
Classification: Pathogenic for Familial cancer of breast. Last evaluated: 2023-09-11. Review status: criteria provided, single submitter. Criteria: Myriad Autosomal Dominant, Autosomal Recessive and X-Linked Classification Criteria (2023). Collection method: clinical testing. Allele origin: unknown.
Comment: This variant is considered pathogenic. This variant creates a frameshift predicted to result in premature protein truncation.